The following is an entry in ClinVar:

ClinVar aggregate classification (germline): Uncertain significance. Review status: criteria provided, multiple submitters, no conflicts (2 of 4 stars). 2 submissions from 2 submitters: Uncertain significance (2). Last evaluated 2023-10-19.

Allele frequency attached by ClinVar (database versions not stated): gnomAD 0.00001.
gnomAD v4.1: 1 of 1,599,986 alleles (0.000063%); highest among the groups gnomAD compares: African/African-American, 0.0014%; no homozygotes.

Submissions (2):

Ambry Genetics
Classification: Uncertain significance. Last evaluated: 2023-10-19. Review status: criteria provided, single submitter. Criteria: Ambry Variant Classification Scheme 2023. Collection method: clinical testing. Allele origin: germline.
Comment: The p.R232T variant (also known as c.695G>C), located in coding exon 5 of the RECQL gene, results from a G to C substitution at nucleotide position 695. The arginine at codon 232 is replaced by threonine, an amino acid with similar properties. This amino acid position is highly conserved in available vertebrate species. In addition, this alteration is predicted to be deleterious by in silico analysis. Since supporting evidence is limited at this time, the clinical significance of this alteration remains unclear.

Labcorp Genetics (formerly Invitae), Labcorp
Classification: Uncertain significance. Last evaluated: 2022-04-15. Review status: criteria provided, single submitter. Criteria: Invitae Variant Classification Sherloc (09022015). Collection method: clinical testing. Allele origin: germline.
Comment: In summary, the available evidence is currently insufficient to determine the role of this variant in disease. Therefore, it has been classified as a Variant of Uncertain Significance. This sequence change replaces arginine, which is basic and polar, with threonine, which is neutral and polar, at codon 232 of the RECQL protein (p.Arg232Thr). This variant is not present in population databases (gnomAD no frequency). This variant has not been reported in the literature in individuals affected with RECQL-related conditions. Algorithms developed to predict the effect of missense changes on protein structure and function (SIFT, PolyPhen-2, Align-GVGD) all suggest that this variant is likely to be disruptive.

NM_002907.4(RECQL):c.695G>C (p.Arg232Thr)

Gene: RECQL (RecQ like helicase; minus strand). Cytogenetic location: 12p12.1.
Variant type: single nucleotide variant.
Coding change: c.695G>C on transcript NM_002907.4 (MANE Select); coding-DNA position 695, G replaced by C.
Protein change: p.Arg232Thr; replaces arginine 232 with threonine.
Molecular consequence: missense variant.
Genome position (GRCh38, 1-based): chr12:21,483,381, C>G on the plus strand (G>C on the coding strand, the complement: RECQL is on the minus strand). VCF-style: chr12-21483381-C-G. GRCh37 (hg19) VCF-style: chr12-21636315-C-G.
Other names: c.695G>C, p.Arg232Thr (NM_032941.3); short protein forms R232T.
Identifiers: ClinVar variation 1756322 (VCV001756322.7), dbSNP rs1943228560, ClinGen allele CA384126581.